The following is an entry in ClinVar:

ClinVar aggregate classification (germline): Pathogenic (1 of 4 stars; one submission).

Conditions:
Jeune thoracic dystrophy. Also called: Jeune syndrome; Infantile thoracic dystrophy; Thoracic pelvic phalangeal dystrophy; Jeune's syndrome; Chondroectodermal dysplasia-like syndrome; Short-rib thoracic dysplasia. Identifiers: Orphanet 474, MedGen C0265275, MONDO:0018770.

Submission:

Labcorp Genetics (formerly Invitae), Labcorp
Classification: Pathogenic for Jeune thoracic dystrophy. Last evaluated: 2023-11-07. Review status: criteria provided, single submitter. Criteria: Invitae Variant Classification Sherloc (09022015). Collection method: clinical testing. Allele origin: germline.
Comment: This sequence change creates a premature translational stop signal (p.Glu4166Aspfs*39) in the DYNC2H1 gene. It is expected to result in an absent or disrupted protein product. Loss-of-function variants in DYNC2H1 are known to be pathogenic (PMID: 23339108, 32753734, 33755199). This variant is not present in population databases (gnomAD no frequency). This variant has not been reported in the literature in individuals affected with DYNC2H1-related conditions. For these reasons, this variant has been classified as Pathogenic.

Literature cited by the submitters: PubMed 23339108; PubMed 32753734; PubMed 33755199.

NM_001377.3(DYNC2H1):c.12477_12489del (p.Glu4159fs)

Gene: DYNC2H1 (dynein cytoplasmic 2 heavy chain 1; plus strand). Cytogenetic location: 11q22.3.
Variant type: Deletion.
Coding change: c.12477_12489del on transcript NM_001377.3 (MANE Select); coding-DNA positions 12477 to 12489, 13 bases deleted (AAAACAGGCTCTT).
Protein change: p.Glu4159fs; shifts the reading frame from glutamic acid 4159.
Molecular consequence: frameshift variant.
Genome position (GRCh38, 1-based): chr11:103,455,206-103,455,218, AAAACAGGCTCTT deleted. VCF-style (leftmost placement, unchanged base first): chr11-103455205-AAAAACAGGCTCTT-A. GRCh37 (hg19) VCF-style: chr11-103325933-AAAAACAGGCTCTT-A.
Other names: c.12498_12510del, p.Glu4166fs (NM_001080463.2); short protein forms E4159fs, E4166fs.
Identifiers: ClinVar variation 2776555 (VCV002776555.3), dbSNP rs2497538753, ClinGen allele CA2739270877.